The following is an entry in ClinVar:

ClinVar aggregate classification (germline): Uncertain significance. Review status: criteria provided, multiple submitters, no conflicts (2 of 4 stars). 2 submissions from 2 submitters: Uncertain significance (2). Last evaluated 2025-11-26.

Allele frequency attached by ClinVar (database versions not stated): ExAC 0.00003; TOPMed 0.00006; gnomAD 0.00007; gnomAD exomes 0.00007.
gnomAD v4.1: 114 of 1,613,944 alleles (0.0071%); highest among the groups gnomAD compares: Non-Finnish European, 0.0092%; no homozygotes.

Submissions (2):

Ambry Genetics
Classification: Uncertain significance. Last evaluated: 2025-11-26. Review status: criteria provided, single submitter. Criteria: Ambry Variant Classification Scheme 2023. Collection method: clinical testing. Allele origin: germline.

Labcorp Genetics (formerly Invitae), Labcorp
Classification: Uncertain significance. Last evaluated: 2023-06-06. Review status: criteria provided, single submitter. Criteria: Invitae Variant Classification Sherloc (09022015). Collection method: clinical testing. Allele origin: germline.
Comment: This sequence change replaces proline, which is neutral and non-polar, with arginine, which is basic and polar, at codon 833 of the AXL protein (p.Pro833Arg). This variant is present in population databases (rs758053468, gnomAD 0.007%). This variant has not been reported in the literature in individuals affected with AXL-related conditions. An algorithm developed to predict the effect of missense changes on protein structure and function (PolyPhen-2) suggests that this variant is likely to be tolerated. In summary, the available evidence is currently insufficient to determine the role of this variant in disease. Therefore, it has been classified as a Variant of Uncertain Significance.

NM_021913.5(AXL):c.2498C>G (p.Pro833Arg)

Gene: AXL (AXL receptor tyrosine kinase; plus strand). Cytogenetic location: 19q13.2.
Variant type: single nucleotide variant.
Coding change: c.2498C>G on transcript NM_021913.5 (MANE Select); coding-DNA position 2498, C replaced by G.
Protein change: p.Pro833Arg; replaces proline 833 with arginine.
Molecular consequence: missense variant.
Genome position (GRCh38, 1-based): chr19:41,259,717, C>G. VCF-style: chr19-41259717-C-G. GRCh37 (hg19) VCF-style: chr19-41765622-C-G.
Other names: c.2498C>G (NM_021913.3); c.1694C>G, p.Pro565Arg (NM_001278599.2); c.2471C>G, p.Pro824Arg (NM_001699.6); short protein forms P833R, P565R, P824R.
Identifiers: ClinVar variation 2723262 (VCV002723262.4), dbSNP rs758053468, ClinGen allele CA9458721.
Genomic context (GRCh38, chr19:41,259,717, plus strand): 5'-CCCAGGAGCCTGACGAAATCCTCTATGTCAACATGGATGAGGGTGGAGGTTATCCTGAAC[C>G]CCCTGGAGCTGCAGGAGGAGCTGACCCCCCAACCCAGCCAGACCCTAAGGATTCCTGTAG-3'
Protein context (NP_068713.2, residues 823-843): NMDEGGGYPE[Pro833Arg]PGAAGGADPP